The following is an entry in ClinVar:

ClinVar aggregate classification (germline): Likely benign. Review status: criteria provided, multiple submitters, no conflicts (2 of 4 stars). 6 submissions from 6 submitters: Likely benign (6). Last evaluated 2026-01-18.

Conditions:
Ehlers-Danlos syndrome, musculocontractural type 2 (EDSMC2). Identifiers: Orphanet 2953, MedGen C3809845, MONDO:0014236, OMIM 615539.
DSE-related disorder. Also called: DSE-related condition.

Allele frequency attached by ClinVar (database versions not stated): ExAC 0.00009; gnomAD exomes 0.00011 and 0.00030; TOPMed 0.00013; gnomAD 0.00014; ESP Exome Variant Server 0.00023.
gnomAD v4.1: 444 of 1,614,088 alleles (0.028%); highest among the groups gnomAD compares: Non-Finnish European, 0.037%; no homozygotes.

Submissions (6):

Labcorp Genetics (formerly Invitae), Labcorp
Classification: Likely benign for Ehlers-Danlos syndrome, musculocontractural type 2. Last evaluated: 2026-01-18. Review status: criteria provided, single submitter. Criteria: Invitae Variant Classification Sherloc (09022015). Collection method: clinical testing. Allele origin: germline.

Mayo Clinic Laboratories, Mayo Clinic
Classification: Likely benign. Last evaluated: 2025-07-14. Review status: criteria provided, single submitter. Criteria: ACMG Guidelines, 2015. Collection method: clinical testing. Allele origin: germline. Observed: 3 variant alleles.
Comment: BP4, BP7

Women's Health and Genetics/Laboratory Corporation of America, LabCorp
Classification: Likely benign. Last evaluated: 2025-01-23. Review status: criteria provided, single submitter. Criteria: LabCorp Variant Classification Summary - May 2015. Collection method: clinical testing. Allele origin: germline.

PreventionGenetics, part of Exact Sciences
Classification: Likely benign for DSE-related condition. Last evaluated: 2024-12-18. Review status: criteria provided, single submitter. Criteria: ACMG Guidelines, 2015. Collection method: clinical testing. Allele origin: germline.
Comment: This variant is classified as likely benign based on ACMG/AMP sequence variant interpretation guidelines (Richards et al. 2015 PMID: 25741868, with internal and published modifications).

Fulgent Genetics
Classification: Likely benign for Ehlers-Danlos syndrome, musculocontractural type 2. Last evaluated: 2022-01-28. Review status: criteria provided, single submitter. Criteria: ACMG Guidelines, 2015. Collection method: clinical testing. Allele origin: unknown.

GeneDx
Classification: Likely benign. Last evaluated: 2019-04-09. Review status: criteria provided, single submitter. Criteria: GeneDx Variant Classification Process June 2021. Collection method: clinical testing. Allele origin: germline. Affected: yes.

NM_013352.4(DSE):c.240C>T (p.Ser80=)

Gene: DSE (dermatan sulfate epimerase; plus strand). Cytogenetic location: 6q22.1.
Variant type: single nucleotide variant.
Coding change: c.240C>T on transcript NM_013352.4 (MANE Select); coding-DNA position 240, C replaced by T.
Protein change: p.Ser80=; no amino-acid change (serine 80 retained).
Molecular consequence: synonymous variant. On other transcripts: 5 prime UTR variant (4), non-coding transcript variant (1).
Genome position (GRCh38, 1-based): chr6:116,399,490, C>T. VCF-style: chr6-116399490-C-T. GRCh37 (hg19) VCF-style: chr6-116720653-C-T.
Other names: p.Ser80=; c.240C>T (NM_013352.3); c.240C>T, p.Ser80= (NM_001080976.3, NM_001322937.2, NM_001322938.2 and 3 more transcripts); c.297C>T, p.Ser99= (NM_001322939.2); c.-318C>T (NM_001322940.2, NM_001322941.2); c.-661C>T (NM_001374520.1); c.-348C>T (NM_001374521.1).
Identifiers: ClinVar variation 515381 (VCV000515381.14), dbSNP rs143347973, ClinGen allele CA3969493.